The following is an entry in ClinVar:

ClinVar aggregate classification (germline): Conflicting classifications of pathogenicity. Review status: criteria provided, conflicting classifications (1 of 4 stars). 3 submissions from 3 submitters: Uncertain significance (1); Likely benign (2). Last evaluated 2025-10-20.

Allele frequency attached by ClinVar (database versions not stated): TOPMed 0.00010.
gnomAD v4.1: 139 of 1,614,138 alleles (0.0086%); highest among the groups gnomAD compares: South Asian, 0.022%; 1 homozygote.

Submissions (5):

Labcorp Genetics (formerly Invitae), Labcorp
Classification: Likely benign. Last evaluated: 2025-10-20. Review status: criteria provided, single submitter. Criteria: Invitae Variant Classification Sherloc (09022015). Collection method: clinical testing. Allele origin: germline.

GeneDx
Classification: Uncertain significance. Last evaluated: 2022-10-27. Review status: criteria provided, single submitter. Criteria: GeneDx Variant Classification Process June 2021. Collection method: clinical testing. Allele origin: germline. Affected: yes.
Comment: Has not been previously published as pathogenic or benign to our knowledge; Nucleotide substitution has no predicted effect on splicing and is not conserved across species; In silico analysis supports that this variant does not alter splicing; This variant is associated with the following publications: (PMID: 28459997)

CeGaT Center for Human Genetics Tuebingen
Classification: Likely benign. Last evaluated: 2022-08-01. Review status: criteria provided, single submitter. Criteria: CeGaT Center For Human Genetics Tuebingen Variant Classification Criteria Version 2. Collection method: clinical testing. Allele origin: germline. Affected: yes. Observed: 1 variant allele.
Comment: POLR3A: BP4

Dr. Peter K. Rogan Lab, Western University
No classification provided (evidence only). Condition: Familial cancer of breast. Review status: no classification provided. Collection method: in vitro. Allele origin: not applicable. Functional consequence: skipped exon. Not counted in ClinVar's aggregate classification.

Dr. Peter K. Rogan Lab, Western University
No classification provided (evidence only). Condition: Familial cancer of breast. Review status: no classification provided. Collection method: in vitro. Allele origin: not applicable. Functional consequence: skipped exon, retained intron. Not counted in ClinVar's aggregate classification.

NM_007055.4(POLR3A):c.1771-7C>A

Gene: POLR3A (RNA polymerase III subunit A; minus strand). Cytogenetic location: 10q22.3.
Variant type: single nucleotide variant.
Coding change: c.1771-7C>A on transcript NM_007055.4 (MANE Select); 7 bases into the intron before coding-DNA position 1771, C replaced by A.
Molecular consequence: intron variant.
Genome position (GRCh38, 1-based): chr10:78,009,682, G>T on the plus strand (C>A on the coding strand, the complement: POLR3A is on the minus strand). VCF-style: chr10-78009682-G-T. GRCh37 (hg19) VCF-style: chr10-79769440-G-T.
Identifiers: ClinVar variation 788652 (VCV000788652.43), dbSNP rs201314157, ClinGen allele CA5571324.